The following is an entry in ClinVar:

NM_015662.3(IFT172):c.1306A>G (p.Met436Val)

Gene: IFT172 (intraflagellar transport 172; minus strand). Cytogenetic location: 2p23.3.
Variant type: single nucleotide variant.
Coding change: c.1306A>G on transcript NM_015662.3 (MANE Select); coding-DNA position 1306, A replaced by G.
Protein change: p.Met436Val; replaces methionine 436 with valine.
Molecular consequence: missense variant.
Genome position (GRCh38, 1-based): chr2:27,477,236, T>C on the plus strand (A>G on the coding strand, the complement: IFT172 is on the minus strand). VCF-style: chr2-27477236-T-C. GRCh37 (hg19) VCF-style: chr2-27700103-T-C.
Other names: short protein forms M436V.
Identifiers: ClinVar variation 1050962 (VCV001050962.9), dbSNP rs753911273, ClinGen allele CA1580714.

ClinVar aggregate classification (germline): Uncertain significance (1 of 4 stars; one submission).

Conditions:
Retinitis pigmentosa 71 (RP71). Identifiers: Orphanet 791, MedGen C4225342, MONDO:0014618, OMIM 616394.
Short-rib thoracic dysplasia 10 with or without polydactyly (SRTD10). Identifiers: Orphanet 474, MedGen C3810175, MONDO:0014284, OMIM 615630.

Allele frequency attached by ClinVar (database versions not stated): gnomAD exomes below 0.00001; ExAC 0.00001; gnomAD 0.00001; TOPMed 0.00001.
gnomAD v4.1: 6 of 1,613,920 alleles (0.00037%); highest among the groups gnomAD compares: South Asian, 0.0022%; no homozygotes.

Submission:

Labcorp Genetics (formerly Invitae), Labcorp
Classification: Uncertain significance for Retinitis pigmentosa 71; Short-rib thoracic dysplasia 10 with or without polydactyly. Last evaluated: 2020-06-23. Review status: criteria provided, single submitter. Criteria: Invitae Variant Classification Sherloc (09022015). Collection method: clinical testing. Allele origin: germline.
Comment: In summary, the available evidence is currently insufficient to determine the role of this variant in disease. Therefore, it has been classified as a Variant of Uncertain Significance. Algorithms developed to predict the effect of missense changes on protein structure and function (SIFT, PolyPhen-2, Align-GVGD) all suggest that this variant is likely to be tolerated, but these predictions have not been confirmed by published functional studies and their clinical significance is uncertain. This variant has not been reported in the literature in individuals with IFT172-related conditions. This variant is present in population databases (rs753911273, ExAC 0.006%). This sequence change replaces methionine with valine at codon 436 of the IFT172 protein (p.Met436Val). The methionine residue is moderately conserved and there is a small physicochemical difference between methionine and valine.